The following is an entry in ClinVar:

ClinVar aggregate classification (germline): Uncertain significance (1 of 4 stars; one submission).

Allele frequency attached by ClinVar (database versions not stated): ExAC 0.00002; gnomAD exomes 0.00002 and 0.00004.

Submission:

Labcorp Genetics (formerly Invitae), Labcorp
Classification: Uncertain significance. Last evaluated: 2021-04-13. Review status: criteria provided, single submitter. Criteria: Invitae Variant Classification Sherloc (09022015). Collection method: clinical testing. Allele origin: germline.
Comment: In summary, the available evidence is currently insufficient to determine the role of this variant in disease. Therefore, it has been classified as a Variant of Uncertain Significance. Algorithms developed to predict the effect of missense changes on protein structure and function output the following: SIFT: "Tolerated"; PolyPhen-2: "Benign"; Align-GVGD: "Class C0". The leucine amino acid residue is found in multiple mammalian species, suggesting that this missense change does not adversely affect protein function. These predictions have not been confirmed by published functional studies and their clinical significance is uncertain. This variant has not been reported in the literature in individuals with PCARE-related conditions. This variant is present in population databases (rs747864076, ExAC 0.01%). This sequence change replaces serine with leucine at codon 287 of the PCARE protein (p.Ser287Leu). The serine residue is moderately conserved and there is a large physicochemical difference between serine and leucine.

NM_001029883.3(PCARE):c.860C>T (p.Ser287Leu)

Gene: PCARE (photoreceptor cilium actin regulator; minus strand). Cytogenetic location: 2p23.2.
Variant type: single nucleotide variant.
Coding change: c.860C>T on transcript NM_001029883.3 (MANE Select); coding-DNA position 860, C replaced by T.
Protein change: p.Ser287Leu; replaces serine 287 with leucine.
Molecular consequence: missense variant.
Genome position (GRCh38, 1-based): chr2:29,073,402, G>A on the plus strand (C>T on the coding strand, the complement: PCARE is on the minus strand). VCF-style: chr2-29073402-G-A. GRCh37 (hg19) VCF-style: chr2-29296268-G-A.
Other names: short protein forms S287L.
Identifiers: ClinVar variation 1485903 (VCV001485903.6), dbSNP rs747864076, ClinGen allele CA1592552.